The following is an entry in ClinVar:

ClinVar aggregate classification (germline): Uncertain significance (1 of 4 stars; one submission).

Submission:

Labcorp Genetics (formerly Invitae), Labcorp
Classification: Uncertain significance. Last evaluated: 2022-03-08. Review status: criteria provided, single submitter. Criteria: Invitae Variant Classification Sherloc (09022015). Collection method: clinical testing. Allele origin: germline.
Comment: In summary, the available evidence is currently insufficient to determine the role of this variant in disease. Therefore, it has been classified as a Variant of Uncertain Significance. Algorithms developed to predict the effect of missense changes on protein structure and function are either unavailable or do not agree on the potential impact of this missense change (SIFT: "Deleterious"; PolyPhen-2: "Possibly Damaging"; Align-GVGD: "Class C0"). This variant has not been reported in the literature in individuals affected with PIGP-related conditions. This variant is not present in population databases (gnomAD no frequency). This sequence change replaces isoleucine, which is neutral and non-polar, with phenylalanine, which is neutral and non-polar, at codon 111 of the PIGP protein (p.Ile111Phe).

NM_153682.3(PIGP):c.259A>T (p.Ile87Phe)

Gene: PIGP (phosphatidylinositol glycan anchor biosynthesis class P; minus strand). Cytogenetic location: 21q22.13.
Variant type: single nucleotide variant.
Coding change: c.259A>T on transcript NM_153682.3 (MANE Select); coding-DNA position 259, A replaced by T.
Protein change: p.Ile87Phe; replaces isoleucine 87 with phenylalanine.
Molecular consequence: missense variant.
Genome position (GRCh38, 1-based): chr21:37,067,277, T>A on the plus strand (A>T on the coding strand, the complement: PIGP is on the minus strand). VCF-style: chr21-37067277-T-A. GRCh37 (hg19) VCF-style: chr21-38439577-T-A.
Other names: c.259A>T, p.Ile87Phe (NM_001320480.2); c.181A>T, p.Ile61Phe (NM_016430.4); c.331A>T, p.Ile111Phe (NM_153681.2); short protein forms I61F, I87F, I111F.
Identifiers: ClinVar variation 2101297 (VCV002101297.4), dbSNP rs1431422835, ClinGen allele CA409919220.